The following is an entry in ClinVar:

ClinVar aggregate classification (germline): Uncertain significance (0 of 4 stars; one submission).

Conditions:
SHOX-related disorder. Also called: SHOX-related condition.

gnomAD v4.1: 2 of 1,601,226 alleles (0.00012%); highest among the groups gnomAD compares: Non-Finnish European, 0.00017%; no homozygotes.

Submission:

PreventionGenetics, part of Exact Sciences
Classification: Uncertain significance for SHOX-related condition. Last evaluated: 2024-07-24. Review status: no assertion criteria provided. Collection method: clinical testing. Allele origin: germline.
Comment: The SHOX c.442G>C variant is predicted to result in the amino acid substitution p.Glu148Gln. To our knowledge, this variant has not been reported in the literature or in a large population database, indicating this variant is rare. At this time, the clinical significance of this variant is uncertain due to the absence of conclusive functional and genetic evidence.

NM_000451.4(SHOX):c.442G>C (p.Glu148Gln)

Genes: SHOX (SHOX homeobox; plus strand), LOC107652445 (meiotic recombination hotspot SHOX; plus strand). Cytogenetic location: Xp22.33.
Variant type: single nucleotide variant.
Coding change: c.442G>C on transcript NM_000451.4 (MANE Select); coding-DNA position 442, G replaced by C.
Protein change: p.Glu148Gln; replaces glutamic acid 148 with glutamine.
Molecular consequence: missense variant.
Genome position (GRCh38, 1-based): chrX:634,782, G>C. VCF-style: chrX-634782-G-C. GRCh37 (hg19) VCF-style: chrX-595517-G-C.
Other names: c.442G>C, p.Glu148Gln (NM_006883.2); short protein forms E148Q.
Identifiers: ClinVar variation 3347006 (VCV003347006.1).